The following is an entry in ClinVar:

ClinVar aggregate classification (germline): Benign/Likely benign. Review status: criteria provided, multiple submitters, no conflicts (2 of 4 stars). 8 submissions from 8 submitters: Benign (6); Likely benign (1). 1 of the submissions does not count toward it. Last evaluated 2026-02-02.

Conditions:
Megaloblastic anemia, thiamine-responsive, with diabetes mellitus and sensorineural deafness (TRMA). Also called: Thiamine-Responsive Megaloblastic Anemia Syndrome; ROGERS SYNDROME; THIAMINE-RESPONSIVE ANEMIA SYNDROME; THIAMINE-RESPONSIVE MYELODYSPLASIA; THIAMINE METABOLISM DYSFUNCTION SYNDROME 1 (MEGALOBLASTIC ANEMIA, DIABETES MELLITUS, AND DEAFNESS TYPE). Identifiers: Orphanet 49827, MedGen C0342287, MONDO:0009575, OMIM 249270.

Allele frequency attached by ClinVar (database versions not stated): ESP Exome Variant Server 0.00008; gnomAD 0.00297 and 0.00414; gnomAD exomes 0.00324 and 0.00880; TOPMed 0.00443; ExAC 0.00789; 1000 Genomes Project 30x 0.02124; 1000 Genomes Project 0.02356.
gnomAD v4.1: 5,547 of 1,613,946 alleles (0.34%); highest among the groups gnomAD compares: East Asian, 8.9%; 207 homozygotes.

Submissions (8):

Labcorp Genetics (formerly Invitae), Labcorp
Classification: Benign. Last evaluated: 2026-02-02. Review status: criteria provided, single submitter. Criteria: Invitae Variant Classification Sherloc (09022015). Collection method: clinical testing. Allele origin: germline.

ARUP Laboratories, Molecular Genetics and Genomics, ARUP Laboratories
Classification: Benign for Megaloblastic anemia, thiamine-responsive, with diabetes mellitus and sensorineural deafness. Last evaluated: 2025-07-30. Review status: criteria provided, single submitter. Criteria: ARUP Molecular Germline Variant Investigation Process 2024. Collection method: clinical testing. Allele origin: germline.

Mayo Clinic Laboratories, Mayo Clinic
Classification: Benign. Last evaluated: 2025-01-27. Review status: criteria provided, single submitter. Criteria: ACMG Guidelines, 2015. Collection method: clinical testing. Allele origin: germline. Observed: 1 variant allele.

Illumina Laboratory Services, Illumina
Classification: Benign for Megaloblastic anemia, thiamine-responsive, with diabetes mellitus and sensorineural deafness. Last evaluated: 2018-01-13. Review status: criteria provided, single submitter. Criteria: ICSL Variant Classification Criteria 13 December 2019. Collection method: clinical testing. Allele origin: germline.
Comment: This variant was observed in the ICSL laboratory as part of a predisposition screen in an ostensibly healthy population. It had not been previously curated by ICSL or reported in the Human Gene Mutation Database (HGMD: prior to June 1st, 2018), and was therefore a candidate for classification through an automated scoring system. Utilizing variant allele frequency, disease prevalence and penetrance estimates, and inheritance mode, an automated score was calculated to assess if this variant is too frequent to cause the disease. Based on the score and internal cut-off values, a variant classified as benign is not then subjected to further curation. The score for this variant resulted in a classification of benign for this disease.

GeneDx
Classification: Benign. Last evaluated: 2016-05-13. Review status: criteria provided, single submitter. Criteria: GeneDx Variant Classification (06012015). Collection method: clinical testing. Allele origin: germline. Affected: yes.
Comment: This variant is considered likely benign or benign based on one or more of the following criteria: it is a conservative change, it occurs at a poorly conserved position in the protein, it is predicted to be benign by multiple in silico algorithms, and/or has population frequency not consistent with disease.

Eurofins Ntd Llc (ga)
Classification: Benign. Last evaluated: 2015-04-13. Review status: criteria provided, single submitter. Criteria: EGL Classification Definitions 2015. Collection method: clinical testing. Allele origin: germline. Observed: 1 variant allele, 1 heterozygote.

Breakthrough Genomics
Classification: Likely benign. Review status: criteria provided, single submitter. Criteria: ACMG Guidelines, 2015. Collection method: not provided. Allele origin: germline. Inheritance: Autosomal recessive inheritance. Affected: yes.

Genetic Services Laboratory, University of Chicago
Classification: Likely benign for AllHighlyPenetrant. Review status: no assertion criteria provided. Collection method: clinical testing. Allele origin: germline. Inheritance: Autosomal recessive inheritance. Not counted in ClinVar's aggregate classification.
Comment: Likely benign based on allele frequency in 1000 Genomes Project or ESP global frequency and its presence in a patient with a rare or unrelated disease phenotype. NOT Sanger confirmed.

NM_006996.3(SLC19A2):c.1080T>C (p.Thr360=)

Gene: SLC19A2 (solute carrier family 19 member 2; minus strand). Cytogenetic location: 1q24.2.
Variant type: single nucleotide variant.
Coding change: c.1080T>C on transcript NM_006996.3 (MANE Select); coding-DNA position 1080, T replaced by C.
Protein change: p.Thr360=; no amino-acid change (threonine 360 retained).
Molecular consequence: synonymous variant.
Genome position (GRCh38, 1-based): chr1:169,468,787, A>G on the plus strand (T>C on the coding strand, the complement: SLC19A2 is on the minus strand). VCF-style: chr1-169468787-A-G. GRCh37 (hg19) VCF-style: chr1-169438025-A-G.
Other names: p.Thr360=; c.477T>C, p.Thr159= (NM_001319667.1).
Identifiers: ClinVar variation 130318 (VCV000130318.26), dbSNP rs3737682, ClinGen allele CA155213.